The following is an entry in ClinVar:

NM_004638.4(PRRC2A):c.5060C>T (p.Pro1687Leu)

Gene: PRRC2A (proline rich coiled-coil 2A; plus strand). Cytogenetic location: 6p21.33.
Variant type: single nucleotide variant.
Coding change: c.5060C>T on transcript NM_004638.4 (MANE Select); coding-DNA position 5060, C replaced by T.
Protein change: p.Pro1687Leu; replaces proline 1687 with leucine.
Molecular consequence: missense variant.
Genome position (GRCh38, 1-based): chr6:31,634,877, C>T. VCF-style: chr6-31634877-C-T. GRCh37 (hg19) VCF-style: chr6-31602654-C-T.
Other names: c.5060C>T, p.Pro1687Leu (NM_080686.3); short protein forms P1687L.
Identifiers: ClinVar variation 3042106 (VCV003042106.2), dbSNP rs115464946, ClinGen allele CA3716399.

ClinVar aggregate classification (germline): Likely benign (0 of 4 stars; one submission).

Conditions:
PRRC2A-related disorder. Also called: PRRC2A-related condition.

Allele frequency attached by ClinVar (database versions not stated): ESP Exome Variant Server 0.00071; 1000 Genomes Project 30x 0.00094; 1000 Genomes Project 0.00100; TOPMed 0.00120; gnomAD exomes 0.00163; gnomAD 0.00201; ExAC 0.00222.
gnomAD v4.1: 2,684 of 1,613,024 alleles (0.17%); highest among the groups gnomAD compares: Non-Finnish European, 0.15%; 11 homozygotes.

Submission:

PreventionGenetics, part of Exact Sciences
Classification: Likely benign for PRRC2A-related condition. Last evaluated: 2019-02-27. Review status: no assertion criteria provided. Collection method: clinical testing. Allele origin: germline.
Comment: This variant is classified as likely benign based on ACMG/AMP sequence variant interpretation guidelines (Richards et al. 2015 PMID: 25741868, with internal and published modifications).